The following is an entry in ClinVar:

NM_001271.4(CHD2):c.2092C>T (p.Leu698Phe)

Gene: CHD2 (chromodomain helicase DNA binding protein 2; plus strand). Cytogenetic location: 15q26.1.
Variant type: single nucleotide variant.
Coding change: c.2092C>T on transcript NM_001271.4 (MANE Select); coding-DNA position 2092, C replaced by T.
Protein change: p.Leu698Phe; replaces leucine 698 with phenylalanine.
Molecular consequence: missense variant.
Genome position (GRCh38, 1-based): chr15:92,967,416, C>T. VCF-style: chr15-92967416-C-T. GRCh37 (hg19) VCF-style: chr15-93510646-C-T.
Other names: short protein forms L698F.
Identifiers: ClinVar variation 857194 (VCV000857194.10), dbSNP rs2053779861, ClinGen allele CA393907197.

ClinVar aggregate classification (germline): Uncertain significance (1 of 4 stars; one submission).

Conditions:
Developmental and epileptic encephalopathy 94 (DEE94). Also called: Epileptic encephalopathy, childhood-onset; CHD2-Related Neurodevelopmental Disorders. Identifiers: Orphanet 1942, Orphanet 2382, MedGen C3809278, MONDO:0014150, OMIM 615369.

Allele frequency attached by ClinVar (database versions not stated): gnomAD exomes below 0.00001.
gnomAD v4.1: 2 of 1,613,834 alleles (0.00012%); highest among the groups gnomAD compares: Non-Finnish European, 0.00017%; no homozygotes.

Submission:

Labcorp Genetics (formerly Invitae), Labcorp
Classification: Uncertain significance for Developmental and epileptic encephalopathy 94. Last evaluated: 2020-02-10. Review status: criteria provided, single submitter. Criteria: Invitae Variant Classification Sherloc (09022015). Collection method: clinical testing. Allele origin: germline.
Comment: In summary, the available evidence is currently insufficient to determine the role of this variant in disease. Therefore, it has been classified as a Variant of Uncertain Significance. Algorithms developed to predict the effect of missense changes on protein structure and function are either unavailable or do not agree on the potential impact of this missense change (SIFT: "Deleterious"; PolyPhen-2: "Probably Damaging"; Align-GVGD: "Class C15"). This sequence change replaces leucine with phenylalanine at codon 698 of the CHD2 protein (p.Leu698Phe). The leucine residue is highly conserved and there is a small physicochemical difference between leucine and phenylalanine. This variant is not present in population databases (ExAC no frequency). This variant has not been reported in the literature in individuals with CHD2-related conditions.